The following is an entry in ClinVar:

NM_000329.3(RPE65):c.1183_1187delinsGTATAAGAGA (p.Leu395_Cys396delinsValTer)

Gene: RPE65 (retinoid isomerohydrolase RPE65; minus strand). Cytogenetic location: 1p31.3.
Variant type: Indel.
Coding change: c.1183_1187delinsGTATAAGAGA on transcript NM_000329.3 (MANE Select); coding-DNA positions 1183 to 1187, CTGTG replaced by GTATAAGAGA.
Protein change: p.Leu395_Cys396delinsValTer.
Molecular consequence: nonsense.
Genome position (GRCh38, 1-based): chr1:68,431,527-68,431,531, CACAG replaced by TCTCTTATAC on the plus strand (CTGTG replaced by GTATAAGAGA on the coding strand, the reverse complement: RPE65 is on the minus strand). VCF-style: chr1-68431527-CACAG-TCTCTTATAC. GRCh37 (hg19) VCF-style: chr1-68897210-CACAG-TCTCTTATAC.
Other names: c.1075_1079delinsGTATAAGAGA, p.Leu359_Cys360delinsValTer (NM_001406853.1); c.907_911delinsGTATAAGAGA, p.Leu303_Cys304delinsValTer (NM_001406856.1, NM_001406857.1).
Identifiers: ClinVar variation 5010428 (VCV005010428.1).

ClinVar aggregate classification (germline): Pathogenic (1 of 4 stars; one submission).

Conditions:
RPE65-related recessive retinopathy. Also called: Recessive RPE65 retinopathy. Identifiers: MedGen CN305526, MONDO:0100368.

Submission:

Myriad Genetics, Inc.
Classification: Pathogenic for RPE65-related recessive retinopathy. Last evaluated: 2024-05-14. Review status: criteria provided, single submitter. Criteria: Myriad Autosomal Dominant, Autosomal Recessive and X-Linked Classification Criteria (2023). Collection method: clinical testing. Allele origin: unknown.
Comment: NM_000329.2(RPE65):c.1183_1187del5ins10(L395Vfs*2) is expected to be pathogenic in the context of inherited retinal dystrophy, RPE65-related. This variant is predicted to lead to an abnormal or absent protein product due to the creation of a premature termination codon in RPE65, a gene where loss-of-function variants are known to be pathogenic. Please note: this variant was assessed in the context of healthy population screening.